The following is an entry in ClinVar:

NM_001319074.4(RAX2):c.538G>C (p.Ala180Pro)

Gene: RAX2 (retina and anterior neural fold homeobox 2; minus strand). Cytogenetic location: 19p13.3.
Variant type: single nucleotide variant.
Coding change: c.538G>C on transcript NM_001319074.4 (MANE Select); coding-DNA position 538, G replaced by C.
Protein change: p.Ala180Pro; replaces alanine 180 with proline.
Molecular consequence: missense variant.
Genome position (GRCh38, 1-based): chr19:3,770,638, C>G on the plus strand (G>C on the coding strand, the complement: RAX2 is on the minus strand). VCF-style: chr19-3770638-C-G. GRCh37 (hg19) VCF-style: chr19-3770636-C-G.
Other names: c.538G>C, p.Ala180Pro (NM_032753.4); short protein forms A180P.
Identifiers: ClinVar variation 965435 (VCV000965435.10), dbSNP rs567006348, ClinGen allele CA403373956.

ClinVar aggregate classification (germline): Uncertain significance. Review status: criteria provided, multiple submitters, no conflicts (2 of 4 stars). 2 submissions from 2 submitters: Uncertain significance (2). Last evaluated 2025-08-26.

Allele frequency attached by ClinVar (database versions not stated): gnomAD 0.00001; gnomAD exomes 0.00001.

Submissions (2):

Ambry Genetics
Classification: Uncertain significance. Last evaluated: 2025-08-26. Review status: criteria provided, single submitter. Criteria: Ambry Variant Classification Scheme 2023. Collection method: clinical testing. Allele origin: germline.

Labcorp Genetics (formerly Invitae), Labcorp
Classification: Uncertain significance. Last evaluated: 2019-10-02. Review status: criteria provided, single submitter. Criteria: Invitae Variant Classification Sherloc (09022015). Collection method: clinical testing. Allele origin: germline.
Comment: The frequency data for this variant in the population databases is considered unreliable, as metrics indicate insufficient coverage at this position in the ExAC database. This variant has not been reported in the literature in individuals with RAX2-related conditions. Algorithms developed to predict the effect of missense changes on protein structure and function output the following: SIFT: "Tolerated"; PolyPhen-2: "Benign"; Align-GVGD: "Class C0". The proline amino acid residue is found in multiple mammalian species, suggesting that this missense change does not adversely affect protein function. These predictions have not been confirmed by published functional studies and their clinical significance is uncertain. In summary, the available evidence is currently insufficient to determine the role of this variant in disease. Therefore, it has been classified as a Variant of Uncertain Significance. This sequence change replaces alanine with proline at codon 180 of the RAX2 protein (p.Ala180Pro). The alanine residue is highly conserved and there is a small physicochemical difference between alanine and proline.